The following is an entry in ClinVar:

NM_005154.5(USP8):c.2210C>T (p.Thr737Ile)

Gene: USP8 (ubiquitin specific peptidase 8; plus strand). Cytogenetic location: 15q21.2.
Variant type: single nucleotide variant.
Coding change: c.2210C>T on transcript NM_005154.5 (MANE Select); coding-DNA position 2210, C replaced by T.
Protein change: p.Thr737Ile; replaces threonine 737 with isoleucine.
Molecular consequence: missense variant.
Genome position (GRCh38, 1-based): chr15:50,490,501, C>T. VCF-style: chr15-50490501-C-T. GRCh37 (hg19) VCF-style: chr15-50782698-C-T.
Other names: c.2210C>T, p.Thr737Ile (NM_001128610.3); c.1892C>T, p.Thr631Ile (NM_001283049.2); short protein forms T737I, T631I.
Identifiers: ClinVar variation 4723649 (VCV004723649.1).

ClinVar aggregate classification (germline): Uncertain significance (1 of 4 stars; one submission).

Conditions:
Hereditary spastic paraplegia. Also called: Familial spastic paraparesis. Identifiers: Orphanet 685, MedGen C0037773, MONDO:0019064. Disease mechanism: loss of function.

Submission:

Labcorp Genetics (formerly Invitae), Labcorp
Classification: Uncertain significance for Hereditary spastic paraplegia. Last evaluated: 2025-07-27. Review status: criteria provided, single submitter. Criteria: Invitae Variant Classification Sherloc (09022015). Collection method: clinical testing. Allele origin: germline.
Comment: This sequence change replaces threonine, which is neutral and polar, with isoleucine, which is neutral and non-polar, at codon 737 of the USP8 protein (p.Thr737Ile). This variant is not present in population databases (gnomAD no frequency). This variant has not been reported in the literature in individuals affected with USP8-related conditions. An algorithm developed to predict the effect of missense changes on protein structure and function (PolyPhen-2) suggests that this variant is likely to be disruptive. In summary, the available evidence is currently insufficient to determine the role of this variant in disease. Therefore, it has been classified as a Variant of Uncertain Significance.